The following is an entry in ClinVar:

NM_001160372.4(TRAPPC9):c.239T>C (p.Leu80Pro)

Gene: TRAPPC9 (trafficking protein particle complex subunit 9; minus strand). Cytogenetic location: 8q24.3.
Variant type: single nucleotide variant.
Coding change: c.239T>C on transcript NM_001160372.4 (MANE Select); coding-DNA position 239, T replaced by C.
Protein change: p.Leu80Pro; replaces leucine 80 with proline.
Molecular consequence: missense variant. On other transcripts: non-coding transcript variant (1).
Genome position (GRCh38, 1-based): chr8:140,451,135, A>G on the plus strand (T>C on the coding strand, the complement: TRAPPC9 is on the minus strand). VCF-style: chr8-140451135-A-G. GRCh37 (hg19) VCF-style: chr8-141461234-A-G.
Other names: c.239T>C, p.Leu80Pro (NM_001321646.2, NM_001374682.1, NM_001374683.1 and 2 more transcripts); short protein forms L80P.
Identifiers: ClinVar variation 997787 (VCV000997787.2), dbSNP rs2132705299, ClinGen allele CA372318830.

ClinVar aggregate classification (germline): Conflicting classifications of pathogenicity. Review status: criteria provided, conflicting classifications (1 of 4 stars). 2 submissions from 2 submitters: Likely pathogenic (1); Uncertain significance (1). Last evaluated 2022-02-03.

Conditions:
Intellectual developmental disorder, autosomal recessive 13. Also called: Intellectual disability, autosomal recessive 13. Identifiers: Orphanet 88616, MedGen C2750791, MONDO:0013173, OMIM 613192.

Submissions (2):

Institute of Human Genetics, University of Leipzig Medical Center
Classification: Uncertain significance for Intellectual developmental disorder, autosomal recessive 13. Last evaluated: 2022-02-03. Review status: criteria provided, single submitter. Criteria: ACMG Guidelines, 2015. Collection method: clinical testing. Allele origin: unknown. Affected: yes.
Comment: Despite strong evidence for its pathogenicity, this variant has to be classified as of unknown significance, according to the ACMG-criteria (Richards et al., 2015)_x000D_ Criteria applied: PS4_SUP, PM2_SUP, PM3_SUP, PP3

Child Neurology Department, Hôpital Universitaire de Bruxelles
Classification: Likely pathogenic for Intellectual developmental disorder, autosomal recessive 13. Last evaluated: 2020-01-01. Review status: criteria provided, single submitter. Criteria: ACMG Guidelines, 2015. Collection method: clinical testing. Allele origin: inherited. Affected: yes.